The following is an entry in ClinVar:

ClinVar aggregate classification (germline): Uncertain significance (1 of 4 stars; one submission).

Conditions:
Familial thoracic aortic aneurysm and aortic dissection (TAAD). Also called: Thoracic aortic aneurysms and dissections. Identifiers: Orphanet 91387, MedGen C4707243, MONDO:0019625.

Submission:

All of Us Research Program, National Institutes of Health
Classification: Uncertain significance for Familial thoracic aortic aneurysm and aortic dissection. Last evaluated: 2023-10-23. Review status: criteria provided, single submitter. Criteria: ACMG Guidelines, 2015. Collection method: clinical testing. Allele origin: germline. Inheritance: Autosomal dominant inheritance. Observed: 1 variant allele, 1 heterozygote.
Comment: This variant causes a G to C nucleotide substitution at the -11 position of intron 25 of the MYH11 gene. To our knowledge, functional studies have not been reported for this variant. This variant has not been reported in individuals affected with MYH11-related disorders in the literature. This variant has not been identified in the general population by the Genome Aggregation Database (gnomAD). The available evidence is insufficient to determine the role of this variant in disease conclusively. Therefore, this variant is classified as a Variant of Uncertain Significance.

This study involves interpretation of variants in research participants for the purpose of population health screening. Participant phenotype was not available at the time of variant classification. Additional details can be found in publication PMID: 35346344, PMCID: PMC8962531

NM_002474.3(MYH11):c.3122-11G>C

Gene: MYH11 (myosin heavy chain 11; minus strand). Cytogenetic location: 16p13.11.
Variant type: single nucleotide variant.
Coding change: c.3122-11G>C on transcript NM_002474.3 (MANE Select); 11 bases into the intron before coding-DNA position 3122, G replaced by C.
Molecular consequence: intron variant.
Genome position (GRCh38, 1-based): chr16:15,737,631, C>G on the plus strand (G>C on the coding strand, the complement: MYH11 is on the minus strand). VCF-style: chr16-15737631-C-G. GRCh37 (hg19) VCF-style: chr16-15831488-C-G.
Other names: c.3122-11G>C (NM_022844.3); c.3143-11G>C (NM_001040114.2, NM_001040113.2).
Identifiers: ClinVar variation 3074059 (VCV003074059.1), dbSNP rs2041159571, ClinGen allele CA2209921250.